The following is an entry in ClinVar:

ClinVar aggregate classification (germline): Uncertain significance (1 of 4 stars; one submission).

Allele frequency attached by ClinVar (database versions not stated): ExAC 0.00001; gnomAD 0.00001; gnomAD exomes 0.00001; TOPMed 0.00001.
gnomAD v4.1: 14 of 1,613,248 alleles (0.00087%); highest among the groups gnomAD compares: Admixed American, 0.0033%; no homozygotes.

Submission:

Labcorp Genetics (formerly Invitae), Labcorp
Classification: Uncertain significance. Last evaluated: 2022-05-15. Review status: criteria provided, single submitter. Criteria: Invitae Variant Classification Sherloc (09022015). Collection method: clinical testing. Allele origin: germline.
Comment: This sequence change replaces serine, which is neutral and polar, with glycine, which is neutral and non-polar, at codon 4391 of the FAT1 protein (p.Ser4391Gly). The frequency data for this variant in the population databases is considered unreliable, as metrics indicate poor data quality at this position in the gnomAD database. This variant has not been reported in the literature in individuals affected with FAT1-related conditions. Algorithms developed to predict the effect of missense changes on protein structure and function output the following: SIFT: "Deleterious"; PolyPhen-2: "Benign"; Align-GVGD: "Class C55". The glycine amino acid residue is found in multiple mammalian species, which suggests that this missense change does not adversely affect protein function. In summary, the available evidence is currently insufficient to determine the role of this variant in disease. Therefore, it has been classified as a Variant of Uncertain Significance.

NM_005245.4(FAT1):c.13171A>G (p.Ser4391Gly)

Genes: FAT1 (FAT atypical cadherin 1; minus strand), LOC126807253 (BRD4-independent group 4 enhancer GRCh37_chr4:187509297-187510496; plus strand). Cytogenetic location: 4q35.2.
Variant type: single nucleotide variant.
Coding change: c.13171A>G on transcript NM_005245.4 (MANE Select); coding-DNA position 13171, A replaced by G.
Protein change: p.Ser4391Gly; replaces serine 4391 with glycine.
Molecular consequence: missense variant.
Genome position (GRCh38, 1-based): chr4:186,589,188, T>C on the plus strand (A>G on the coding strand, the complement: FAT1 is on the minus strand). VCF-style: chr4-186589188-T-C. GRCh37 (hg19) VCF-style: chr4-187510342-T-C.
Other names: short protein forms S4391G.
Identifiers: ClinVar variation 1944484 (VCV001944484.2), dbSNP rs774685734, ClinGen allele CA3164597.